The following is an entry in ClinVar:

NM_001036.6(RYR3):c.287A>G (p.Gln96Arg)

Gene: RYR3 (ryanodine receptor 3; plus strand). Cytogenetic location: 15q14.
Variant type: single nucleotide variant.
Coding change: c.287A>G on transcript NM_001036.6 (MANE Select); coding-DNA position 287, A replaced by G.
Protein change: p.Gln96Arg; replaces glutamine 96 with arginine.
Molecular consequence: missense variant.
Genome position (GRCh38, 1-based): chr15:33,530,599, A>G. VCF-style: chr15-33530599-A-G. GRCh37 (hg19) VCF-style: chr15-33822800-A-G.
Other names: c.287A>G, p.Gln96Arg (NM_001243996.4); short protein forms Q96R.
Identifiers: ClinVar variation 1414667 (VCV001414667.8), dbSNP rs757712511, ClinGen allele CA7457776.

ClinVar aggregate classification (germline): Uncertain significance (1 of 4 stars; one submission).

Conditions:
Epileptic encephalopathy. Identifiers: MedGen C0543888, HP:0200134.

Allele frequency attached by ClinVar (database versions not stated): ExAC 0.00001; gnomAD exomes 0.00001 and 0.00003; gnomAD 0.00005 and 0.00006; TOPMed 0.00009.
gnomAD v4.1: 17 of 1,612,708 alleles (0.0011%); highest among the groups gnomAD compares: Admixed American, 0.023%; no homozygotes.

Submission:

Labcorp Genetics (formerly Invitae), Labcorp
Classification: Uncertain significance for Epileptic encephalopathy. Last evaluated: 2020-11-11. Review status: criteria provided, single submitter. Criteria: Invitae Variant Classification Sherloc (09022015). Collection method: clinical testing. Allele origin: germline.
Comment: In summary, the available evidence is currently insufficient to determine the role of this variant in disease. Therefore, it has been classified as a Variant of Uncertain Significance. Algorithms developed to predict the effect of missense changes on protein structure and function are either unavailable or do not agree on the potential impact of this missense change (SIFT: "Deleterious"; PolyPhen-2: "Benign"; Align-GVGD: "Class C0"). This variant has not been reported in the literature in individuals with RYR3-related conditions. This variant is present in population databases (rs757712511, ExAC 0.002%). This sequence change replaces glutamine with arginine at codon 96 of the RYR3 protein (p.Gln96Arg). The glutamine residue is highly conserved and there is a small physicochemical difference between glutamine and arginine.